The following is an entry in ClinVar:

ClinVar aggregate classification (germline): Uncertain significance. Review status: criteria provided, multiple submitters, no conflicts (2 of 4 stars). 2 submissions from 2 submitters: Uncertain significance (2). Last evaluated 2022-11-15.

Conditions:
Brody myopathy. Also called: BRODY DISEASE. Identifiers: Orphanet 53347, MedGen C1832918, MONDO:0010977, OMIM 601003.

gnomAD v4.1: 2 of 1,567,794 alleles (0.00013%); highest among the groups gnomAD compares: African/African-American, 0.0013%; no homozygotes.

Submissions (2):

Labcorp Genetics (formerly Invitae), Labcorp
Classification: Uncertain significance for Brody myopathy. Last evaluated: 2022-11-15. Review status: criteria provided, single submitter. Criteria: Invitae Variant Classification Sherloc (09022015). Collection method: clinical testing. Allele origin: germline.
Comment: This variant has not been reported in the literature in individuals affected with ATP2A1-related conditions. This sequence change replaces valine, which is neutral and non-polar, with leucine, which is neutral and non-polar, at codon 594 of the ATP2A1 protein (p.Val594Leu). This variant is not present in population databases (gnomAD no frequency). ClinVar contains an entry for this variant (Variation ID: 949911). Algorithms developed to predict the effect of missense changes on protein structure and function are either unavailable or do not agree on the potential impact of this missense change (SIFT: "Deleterious"; PolyPhen-2: "Benign"; Align-GVGD: "Class C0"). In summary, the available evidence is currently insufficient to determine the role of this variant in disease. Therefore, it has been classified as a Variant of Uncertain Significance.

Revvity Omics, Revvity
Classification: Uncertain significance for Brody myopathy. Last evaluated: 2021-06-24. Review status: criteria provided, single submitter. Criteria: ACMG Guidelines, 2015. Collection method: clinical testing. Allele origin: germline.

NM_004320.6(ATP2A1):c.1780G>C (p.Val594Leu)

Gene: ATP2A1 (ATPase sarcoplasmic/endoplasmic reticulum Ca2+ transporting 1; plus strand). Cytogenetic location: 16p11.2.
Variant type: single nucleotide variant.
Coding change: c.1780G>C on transcript NM_004320.6 (MANE Select); coding-DNA position 1780, G replaced by C.
Protein change: p.Val594Leu; replaces valine 594 with leucine.
Molecular consequence: missense variant.
Genome position (GRCh38, 1-based): chr16:28,900,596, G>C. VCF-style: chr16-28900596-G-C. GRCh37 (hg19) VCF-style: chr16-28911917-G-C.
Other names: c.1780G>C (NM_173201.4); c.1405G>C, p.Val469Leu (NM_001286075.2); c.1780G>C, p.Val594Leu (NM_173201.5); short protein forms V469L, V594L.
Identifiers: ClinVar variation 949911 (VCV000949911.12), dbSNP rs142091964, ClinGen allele CA395410897.